The following is an entry in ClinVar:

NM_001352514.2(HLCS):c.678del (p.Ser226fs)

Gene: HLCS (holocarboxylase synthetase; minus strand). Cytogenetic location: 21q22.13.
Variant type: Deletion.
Coding change: c.678del on transcript NM_001352514.2 (MANE Select); coding-DNA position 678, one base deleted (T; older notation c.678delT).
Protein change: p.Ser226fs; shifts the reading frame from serine 226.
Molecular consequence: frameshift variant. On other transcripts: non-coding transcript variant (2).
Genome position (GRCh38, 1-based): chr21:36,937,208, A deleted on the plus strand (T on the coding strand, the reverse complement: HLCS is on the minus strand). VCF-style (leftmost placement, unchanged base first): chr21-36937207-CA-C. GRCh37 (hg19) VCF-style: chr21-38309507-CA-C.
Other names: c.237del, p.Ser79fs (NM_000411.8, NM_001242784.3, NM_001242785.2 and 4 more transcripts); short protein forms S226fs, S79fs.
Identifiers: ClinVar variation 5012774 (VCV005012774.1).

ClinVar aggregate classification (germline): Pathogenic (1 of 4 stars; one submission).

Conditions:
Holocarboxylase synthetase deficiency. Also called: MULTIPLE CARBOXYLASE DEFICIENCY, EARLY ONSET. Identifiers: Orphanet 79242, MedGen C0268581, MONDO:0009666, OMIM 253270.

Submission:

Myriad Genetics, Inc.
Classification: Pathogenic for Holocarboxylase synthetase deficiency. Last evaluated: 2024-02-25. Review status: criteria provided, single submitter. Criteria: Myriad Autosomal Dominant, Autosomal Recessive and X-Linked Classification Criteria (2023). Collection method: clinical testing. Allele origin: unknown.
Comment: NM_000411.6(HLCS):c.237delT(S79Rfs*179) is expected to be pathogenic in the context of holocarboxylase synthetase deficiency. This variant is predicted to lead to an abnormal or absent protein product due to the creation of a premature termination codon in HLCS, a gene where loss-of-function variants are known to be pathogenic. Please note: this variant was assessed in the context of healthy population screening.